The following is an entry in ClinVar:

ClinVar aggregate classification (germline): Pathogenic/Likely pathogenic. Review status: criteria provided, multiple submitters, no conflicts (2 of 4 stars). 5 submissions from 5 submitters: Pathogenic (2); Likely pathogenic (2). 1 of the submissions does not count toward it. Last evaluated 2024-08-23.

Conditions:
Hypofibrinogenemia. Identifiers: MedGen C0553681, HP:0011900.
FGA-related disorder. Also called: FGA-related condition; FGA-related disorders.
Familial visceral amyloidosis, Ostertag type (AMYLD2). Also called: Ostertag type amyloidosis; Familial visceral amyloidosis; Amyloidosis, hepatic and systemic; AMYLOIDOSIS VIII; AMYLOIDOSIS, HEREDITARY SYSTEMIC 2; Hereditary Renal Amyloidosis. Identifiers: Orphanet 85450, MedGen C0268389, MONDO:0007099, OMIM 105200.
Congenital afibrinogenemia. Identifiers: Orphanet 335, Orphanet 98880, MedGen C2584774, MONDO:0008737, OMIM 202400.
Familial dysfibrinogenemia. Also called: Dysfibrinogenemia, congenital. Identifiers: Orphanet 335, Orphanet 98881, MedGen C0272350, MONDO:0014452, OMIM 616004.

Submissions (5):

Blueprint Genetics
Classification: Likely pathogenic for FGA-related disorders. Last evaluated: 2024-08-23. Review status: criteria provided, single submitter. Criteria: ACMG Guidelines, 2015. Collection method: clinical testing. Allele origin: germline. Affected: yes. Observed: 5 variant alleles.

Fulgent Genetics
Classification: Pathogenic for Familial visceral amyloidosis, Ostertag type; Congenital afibrinogenemia; Familial dysfibrinogenemia. Last evaluated: 2024-05-17. Review status: criteria provided, single submitter. Criteria: ACMG Guidelines, 2015. Collection method: clinical testing. Allele origin: germline.

Centre of Medical Genetics, University Hospital Muenster
Classification: Pathogenic for Familial dysfibrinogenemia. Last evaluated: 2022-01-20. Review status: criteria provided, single submitter. Criteria: ACMG Guidelines, 2015. Collection method: clinical testing. Allele origin: germline. Affected: yes. Observed: 1 variant allele, 1 heterozygote.
Comment: ACMG categories: PVS1,PM2,PP5

NIHR Bioresource Rare Diseases, University of Cambridge
Classification: Likely pathogenic for Hypofibrinogenemia. Last evaluated: 2019-02-01. Review status: criteria provided, single submitter. Criteria: ACMG Guidelines, 2015. Collection method: research. Allele origin: unknown. Affected: yes. Observed: 1 compound heterozygote. Study: ThromboGenomics.

PreventionGenetics, part of Exact Sciences
Classification: Pathogenic for FGA-related condition. Last evaluated: 2024-08-14. Review status: no assertion criteria provided. Collection method: clinical testing. Allele origin: germline. Not counted in ClinVar's aggregate classification.
Comment: The FGA c.117delT variant is predicted to result in a frameshift and premature protein termination (p.Val40Trpfs*31). This variant has been reported, along with the common FGA 11kb del and in the homozygous state, in individuals with congenital afibrinogenemia (Reported as g.1185delT, Neerman-Arbez et al. 2001. PubMed ID: 11354637; Hadjali-Saichi et al. 2022. PubMed ID: 35488806). It was also reported to partially contribute to the phenotype in another individual with thrombotic disease (Supplementary Table 3, Downes et al. 2019. PubMed ID: 31064749). This variant is reported in 0.0062% of alleles in individuals of European (Non-Finnish) descent in gnomAD. Frameshift variants in FGA are expected to be pathogenic. This variant is interpreted as pathogenic.

Literature cited by the submitters: PubMed 31064749 (cited by NIHR Bioresource Rare Diseases, University of Cambridge).

NM_021871.4(FGA):c.117del (p.Val40fs)

Gene: FGA (fibrinogen alpha chain; minus strand). Cytogenetic location: 4q31.3.
Variant type: Deletion.
Coding change: c.117del on transcript NM_021871.4 (MANE Select); coding-DNA position 117, one base deleted (T; older notation c.117delT).
Protein change: p.Val40fs; shifts the reading frame from valine 40.
Molecular consequence: frameshift variant.
Genome position (GRCh38, 1-based): chr4:154,589,500, A deleted on the plus strand (T on the coding strand, the reverse complement: FGA is on the minus strand); the first of 2 consecutive A bases (chr4:154,589,500-154,589,501); deleting either gives the same sequence. VCF-style (leftmost placement, unchanged base first): chr4-154589499-CA-C. GRCh37 (hg19) VCF-style: chr4-155510651-CA-C.
Other names: c.117del, p.Val40fs (NM_000508.5); c.117del (LRG_557t1); c.117delT (NM_000508.4); short protein forms V40fs.
Identifiers: ClinVar variation 627216 (VCV000627216.6), dbSNP rs762964798, ClinGen allele CA3115394.